The following is an entry in ClinVar:

NM_001267550.2(TTN):c.26118_26119del (p.Ala8707fs)

Gene: TTN (titin; minus strand). Cytogenetic location: 2q31.2.
Variant type: Deletion.
Coding change: c.26118_26119del on transcript NM_001267550.2 (MANE Select); coding-DNA positions 26118 to 26119, 2 bases deleted (TG; older notation c.26118_26119delTG).
Protein change: p.Ala8707fs; shifts the reading frame from alanine 8707.
Molecular consequence: frameshift variant. On other transcripts: intron variant (3).
Genome position (GRCh38, 1-based): chr2:178,715,067-178,715,068, CA deleted on the plus strand (TG on the coding strand, the reverse complement: TTN is on the minus strand). VCF-style (leftmost placement, unchanged base first): chr2-178715066-GCA-G. GRCh37 (hg19) VCF-style: chr2-179579793-GCA-G.
Other names: c.25167_25168del, p.Ala8390fs (NM_001256850.1); c.22386_22387del, p.Ala7463fs (NM_133378.4); c.13282+23014_13282+23015del (NM_003319.4); c.13858+23014_13858+23015del (NM_133437.4); c.13657+23014_13657+23015del (NM_133432.3); short protein forms A7463fs, A8707fs, A8390fs.
Identifiers: ClinVar variation 943052 (VCV000943052.10), dbSNP rs2077273106, ClinGen allele CA1139657494.

ClinVar aggregate classification (germline): Likely pathogenic (1 of 4 stars; one submission).

Conditions:
Dilated cardiomyopathy 1G (CMD1G). Identifiers: Orphanet 154, MedGen C1858763, MONDO:0011400, OMIM 604145.
Autosomal recessive limb-girdle muscular dystrophy type 2J (LGMDR10). Also called: MUSCULAR DYSTROPHY, LIMB-GIRDLE, AUTOSOMAL RECESSIVE 10; Limb-girdle muscular dystrophy, type 2J. Identifiers: Orphanet 140922, MedGen C1837342, MONDO:0012127, OMIM 608807.

Submission:

Labcorp Genetics (formerly Invitae), Labcorp
Classification: Likely pathogenic for Dilated cardiomyopathy 1G; Autosomal recessive limb-girdle muscular dystrophy type 2J. Last evaluated: 2024-10-18. Review status: criteria provided, single submitter. Criteria: Invitae Variant Classification Sherloc (09022015). Collection method: clinical testing. Allele origin: germline.
Comment: This sequence change creates a premature translational stop signal (p.Ala8707Cysfs*9) in the TTN gene. While this is not anticipated to result in nonsense mediated decay, it is expected to create a truncated TTN protein. This variant is not present in population databases (gnomAD no frequency). This variant has not been reported in the literature in individuals affected with TTN-related conditions. ClinVar contains an entry for this variant (Variation ID: 943052). This variant is located in the I band of TTN (PMID: 25589632). Truncating variants in this region have been reported in individuals affected with autosomal recessive centronuclear myopathy (PMID: 23975875, internal data). Truncating variants in this region have also been identified in individuals affected with autosomal dominant dilated cardiomyopathy and/or cardio-related conditions (PMID: 27869827, 32964742, internal data). In summary, the currently available evidence indicates that the variant is pathogenic, but additional data are needed to prove that conclusively. Therefore, this variant has been classified as Likely Pathogenic.

Literature cited by the submitters: PubMed 25589632; PubMed 23975875; PubMed 27869827; PubMed 32964742.